The following is an entry in ClinVar:

ClinVar aggregate classification (germline): Uncertain significance (1 of 4 stars; one submission).

Conditions:
Neuropathy, hereditary sensory, type 2C. Also called: KIF1A-Related HSAN2 (HSAN2C); Hereditary sensory and autonomic neuropathy type IIC. Identifiers: Orphanet 970, MedGen C3280168, MONDO:0013634, OMIM 614213.
Intellectual disability, autosomal dominant 9 (NESCAVS). Also called: NESCAV SYNDROME; KIF1A-Related Neurodevelopmental Disorder. Identifiers: Orphanet 662367, MedGen C5393830, MONDO:0013656, OMIM 614255.
Hereditary spastic paraplegia 30. Identifiers: Orphanet 101010, MedGen C5235139, MONDO:0012476.

Submission:

Labcorp Genetics (formerly Invitae), Labcorp
Classification: Uncertain significance for Hereditary spastic paraplegia 30; Neuropathy, hereditary sensory, type 2C; Intellectual disability, autosomal dominant 9. Last evaluated: 2021-03-28. Review status: criteria provided, single submitter. Criteria: Invitae Variant Classification Sherloc (09022015). Collection method: clinical testing. Allele origin: germline.
Comment: Algorithms developed to predict the effect of missense changes on protein structure and function are either unavailable or do not agree on the potential impact of this missense change (SIFT: "Deleterious"; PolyPhen-2: "Benign"; Align-GVGD: "Class C0"). This sequence change replaces methionine with valine at codon 1248 of the KIF1A protein (p.Met1248Val). The methionine residue is highly conserved and there is a small physicochemical difference between methionine and valine. This variant is not present in population databases (ExAC no frequency). This variant has not been reported in the literature in individuals with KIF1A-related conditions. ClinVar contains an entry for this variant (Variation ID: 946853). In summary, the available evidence is currently insufficient to determine the role of this variant in disease. Therefore, it has been classified as a Variant of Uncertain Significance.

NM_001244008.2(KIF1A):c.4045A>G (p.Met1349Val)

Gene: KIF1A (kinesin family member 1A; minus strand). Cytogenetic location: 2q37.3.
Variant type: single nucleotide variant.
Coding change: c.4045A>G on transcript NM_001244008.2 (MANE Select); coding-DNA position 4045, A replaced by G.
Protein change: p.Met1349Val; replaces methionine 1349 with valine.
Molecular consequence: missense variant.
Genome position (GRCh38, 1-based): chr2:240,726,903, T>C on the plus strand (A>G on the coding strand, the complement: KIF1A is on the minus strand). VCF-style: chr2-240726903-T-C. GRCh37 (hg19) VCF-style: chr2-241666320-T-C.
Other names: c.3769A>G, p.Met1257Val (NM_001320705.2, NM_001379649.1); c.3796A>G, p.Met1266Val (NM_001330289.2); c.3844A>G, p.Met1282Val (NM_001330290.2, NM_001379648.1); c.4120A>G, p.Met1374Val (NM_001379631.1); c.4021A>G, p.Met1341Val (NM_001379632.1); c.4018A>G, p.Met1340Val (NM_001379633.1, NM_001379645.1); c.3871A>G, p.Met1291Val (NM_001379634.1); c.3868A>G, p.Met1290Val (NM_001379635.1, NM_001379646.1); and 7 more; short protein forms M1248V, M1256V, M1286V, M1291V, M1341V, M1374V, M1247V, M1265V.
Identifiers: ClinVar variation 946853 (VCV000946853.10), dbSNP rs777103421, ClinGen allele CA351309538.
Genomic context (GRCh38, chr2:240,726,903, plus strand): 5'-GTGTCATGTAGATTTTCTCTCGATAAGGGGTGACCCGGTTCAGCAGGAGAGAGTTGTGCA[T>C]GGAGCTGTCCCACGCAGCCTCAAATTGGTAAAAGGTCCTGAAAGGAAGCAGAGACAAAGT-3'
Protein context (NP_001230937.1, residues 1339-1359): YQFEAAWDSS[Met1349Val]HNSLLLNRVT